The following is an entry in ClinVar:

ClinVar aggregate classification (germline): Uncertain significance. Review status: criteria provided, multiple submitters, no conflicts (2 of 4 stars). 2 submissions from 2 submitters: Uncertain significance (2). Last evaluated 2026-07-10.

Conditions:
Loeys-Dietz syndrome 2 (LDS2). Also called: TGFBR2-Related Loeys-Dietz Syndrome; Marfan Syndrome type 2; Marfan like connective tissue disorder; MFS 2; AORTIC ANEURYSM, FAMILIAL THORACIC 3; MARFAN SYNDROME, TYPE II. Identifiers: Orphanet 284973, Orphanet 558, MedGen C2674574, MONDO:0012427, OMIM 610168.

Submissions (2):

Ambry Genetics
Classification: Uncertain significance. Last evaluated: 2026-07-10. Review status: criteria provided, single submitter. Criteria: Ambry Variant Classification Scheme 2023. Collection method: clinical testing. Allele origin: germline.
Comment: The p.M638I variant (also known as c.1914G>C), located in coding exon 4 of the TMPO gene, results from a G to C substitution at nucleotide position 1914. The methionine at codon 638 is replaced by isoleucine, an amino acid with highly similar properties. This amino acid position is conserved. In addition, this alteration is predicted to be tolerated by in silico analysis. Based on the available evidence, the clinical significance of this variant remains unclear.

Labcorp Genetics (formerly Invitae), Labcorp
Classification: Uncertain significance for Loeys-Dietz syndrome 2. Last evaluated: 2025-09-14. Review status: criteria provided, single submitter. Criteria: Invitae Variant Classification Sherloc (09022015). Collection method: clinical testing. Allele origin: germline.
Comment: This sequence change replaces methionine, which is neutral and non-polar, with isoleucine, which is neutral and non-polar, at codon 638 of the TMPO protein (p.Met638Ile). This variant is not present in population databases (gnomAD no frequency). This variant has not been reported in the literature in individuals affected with TMPO-related conditions. Invitae Evidence Modeling of protein sequence and biophysical properties (such as structural, functional, and spatial information, amino acid conservation, physicochemical variation, residue mobility, and thermodynamic stability) indicates that this missense variant is not expected to disrupt TMPO protein function with a negative predictive value of 80%. In summary, the available evidence is currently insufficient to determine the role of this variant in disease. Therefore, it has been classified as a Variant of Uncertain Significance.

NM_001032283.3(TMPO):c.565+2333G>C

Gene: TMPO (thymopoietin; plus strand). Cytogenetic location: 12q23.1.
Variant type: single nucleotide variant.
Coding change: c.565+2333G>C on transcript NM_001032283.3 (MANE Select); 2333 bases into the intron after coding-DNA position 565, G replaced by C.
Molecular consequence: intron variant. On other transcripts: missense variant (1).
Genome position (GRCh38, 1-based): chr12:98,534,171, G>C. VCF-style: chr12-98534171-G-C. GRCh37 (hg19) VCF-style: chr12-98927949-G-C.
Other names: c.1914G>C, p.Met638Ile (NM_003276.2); c.565+2333G>C (NM_001307975.2, NM_001032284.3); short protein forms M638I.
Identifiers: ClinVar variation 4797802 (VCV004797802.2).